The following is an entry in ClinVar:

ClinVar aggregate classification (germline): Uncertain significance (1 of 4 stars; one submission).

Conditions:
Retinitis pigmentosa 2 (RP2). Also called: Retinitis pigmentosa 2, X linked. Identifiers: Orphanet 791, MedGen C2681923, MONDO:0010723, OMIM 312600.

Submission:

3billion
Classification: Uncertain significance for Retinitis pigmentosa 2. Last evaluated: 2025-07-25. Review status: criteria provided, single submitter. Criteria: ACMG Guidelines, 2015. Collection method: clinical testing. Allele origin: germline. Affected: yes.
Comment: The variant is not observed in the gnomAD v4.1.0 dataset. Predicted Consequence/Location: Intron variant In silico tools predict the variant to alter splicing and produce an abnormal transcript [SpliceAI: 0.97 (>=0.2, moderate evidence for spliceogenicity)]. Therefore, this variant is classified as VUS according to the recommendation of ACMG/AMP guideline.

NM_006915.3(RP2):c.769-9T>G

Gene: RP2 (RP2 activator of ARL3 GTPase; plus strand). Cytogenetic location: Xp11.3.
Variant type: single nucleotide variant.
Coding change: c.769-9T>G on transcript NM_006915.3 (MANE Select); 9 bases into the intron before coding-DNA position 769, T replaced by G.
Molecular consequence: intron variant.
Genome position (GRCh38, 1-based): chrX:46,859,979, T>G. VCF-style: chrX-46859979-T-G. GRCh37 (hg19) VCF-style: chrX-46719414-T-G.
Identifiers: ClinVar variation 4854195 (VCV004854195.1).